The following is an entry in ClinVar:

ClinVar aggregate classification (germline): Uncertain significance (1 of 4 stars; one submission).

Conditions:
Familial cancer of breast. Also called: BREAST CANCER, FAMILIAL; hereditary breast carcinoma; Hereditary breast cancer. Identifiers: Orphanet 227535, MedGen C0346153, MONDO:0016419, OMIM 114480. Disease mechanism: loss of function.

gnomAD v4.1: 1 of 1,613,994 alleles (0.000062%); highest among the groups gnomAD compares: East Asian, 0.0022%; no homozygotes.

Submission:

Labcorp Genetics (formerly Invitae), Labcorp
Classification: Uncertain significance for Familial cancer of breast. Last evaluated: 2025-07-24. Review status: criteria provided, single submitter. Criteria: Invitae Variant Classification Sherloc (09022015). Collection method: clinical testing. Allele origin: germline.
Comment: This sequence change replaces glutamine, which is neutral and polar, with arginine, which is basic and polar, at codon 61 of the PALB2 protein (p.Gln61Arg). This variant is present in population databases (no rsID available, gnomAD 0.006%). This variant has not been reported in the literature in individuals affected with PALB2-related conditions. ClinVar contains an entry for this variant (Variation ID: 2149927). An algorithm developed to predict the effect of missense changes on protein structure and function outputs the following: PolyPhen-2: "Benign". The arginine amino acid residue is found in multiple mammalian species, which suggests that this missense change does not adversely affect protein function. In summary, the available evidence is currently insufficient to determine the role of this variant in disease. Therefore, it has been classified as a Variant of Uncertain Significance.

NM_024675.4(PALB2):c.182A>G (p.Gln61Arg)

Gene: PALB2 (partner and localizer of BRCA2; minus strand). Cytogenetic location: 16p12.2.
Variant type: single nucleotide variant.
Coding change: c.182A>G on transcript NM_024675.4 (MANE Select); coding-DNA position 182, A replaced by G.
Protein change: p.Gln61Arg; replaces glutamine 61 with arginine.
Molecular consequence: missense variant.
Genome position (GRCh38, 1-based): chr16:23,637,879, T>C on the plus strand (A>G on the coding strand, the complement: PALB2 is on the minus strand). VCF-style: chr16-23637879-T-C. GRCh37 (hg19) VCF-style: chr16-23649200-T-C.
Other names: c.122A>G, p.Gln41Arg (NM_001407296.1); c.182A>G, p.Gln61Arg (NM_001407297.1, NM_001407298.1, NM_001407299.1 and 3 more transcripts); c.-704A>G (NM_001407304.1, NM_001407305.1, NM_001407306.1 and 5 more transcripts); short protein forms Q41R, Q61R.
Identifiers: ClinVar variation 2149927 (VCV002149927.4), dbSNP rs1354687901, ClinGen allele CA395139078.